The following is an entry in ClinVar:

NM_000321.3(RB1):c.114C>T (p.Gly38=)

Gene: RB1 (RB transcriptional corepressor 1; plus strand). Cytogenetic location: 13q14.2.
Variant type: single nucleotide variant.
Coding change: c.114C>T on transcript NM_000321.3 (MANE Select); coding-DNA position 114, C replaced by T.
Protein change: p.Gly38=; no amino-acid change (glycine 38 retained).
Molecular consequence: synonymous variant.
Genome position (GRCh38, 1-based): chr13:48,304,026, C>T. VCF-style: chr13-48304026-C-T. GRCh37 (hg19) VCF-style: chr13-48878162-C-T.
Identifiers: ClinVar variation 527951 (VCV000527951.15), dbSNP rs1369823342, ClinGen allele CA483711648.

ClinVar aggregate classification (germline): Benign/Likely benign. Review status: criteria provided, multiple submitters, no conflicts (2 of 4 stars). 4 submissions from 4 submitters: Benign (1); Likely benign (3). Last evaluated 2026-06-23.

Conditions:
Hereditary cancer-predisposing syndrome. Also called: Neoplastic Syndromes, Hereditary; Hereditary Cancer Syndrome; Hereditary neoplastic syndrome; Tumor predisposition. Identifiers: Orphanet 140162, MedGen C0027672, MeSH D009386, MONDO:0015356.
Retinoblastoma (RB1). Also called: RETINOBLASTOMA, SOMATIC. Identifiers: Orphanet 790, MedGen C0035335, MeSH D012175, MONDO:0008380, OMIM 180200, HP:0009919. Disease mechanism: loss of function. Inheritance: Both sporadic and heritable forms are tested..

Allele frequency attached by ClinVar (database versions not stated): TOPMed below 0.00001; gnomAD exomes below 0.00001.
gnomAD v4.1: 2 of 1,463,312 alleles (0.00014%); highest among the groups gnomAD compares: African/African-American, 0.0015%; no homozygotes.

Submissions (4):

Myriad Genetics, Inc.
Classification: Benign for Retinoblastoma. Last evaluated: 2026-06-23. Review status: criteria provided, single submitter. Criteria: Myriad Autosomal Dominant, Autosomal Recessive and X-Linked Classification Criteria (2023). Collection method: clinical testing. Allele origin: unknown.
Comment: This variant is considered benign. This variant is a silent/synonymous amino acid change and it is not expected to impact splicing.

Labcorp Genetics (formerly Invitae), Labcorp
Classification: Likely benign for Retinoblastoma. Last evaluated: 2026-01-04. Review status: criteria provided, single submitter. Criteria: Invitae Variant Classification Sherloc (09022015). Collection method: clinical testing. Allele origin: germline.

All of Us Research Program, National Institutes of Health
Classification: Likely benign for Retinoblastoma. Last evaluated: 2023-03-07. Review status: criteria provided, single submitter. Criteria: ACMG Guidelines, 2015. Collection method: clinical testing. Allele origin: germline. Inheritance: Autosomal dominant inheritance. Observed: 3 variant alleles, 3 heterozygotes.
Comment: This study involves interpretation of variants in research participants for the purpose of population health screening. Participant phenotype was not available at the time of variant classification. Additional details can be found in publication PMID: 35346344, PMCID: PMC8962531

Ambry Genetics
Classification: Likely benign for Hereditary cancer-predisposing syndrome. Last evaluated: 2019-04-05. Review status: criteria provided, single submitter. Criteria: Ambry Variant Classification Scheme 2023. Collection method: clinical testing. Allele origin: germline.